The following is an entry in ClinVar:

NM_000234.3(LIG1):c.1943C>T (p.Ala648Val)

Gene: LIG1 (DNA ligase 1; minus strand). Cytogenetic location: 19q13.33.
Variant type: single nucleotide variant.
Coding change: c.1943C>T on transcript NM_000234.3 (MANE Select); coding-DNA position 1943, C replaced by T.
Protein change: p.Ala648Val; replaces alanine 648 with valine.
Molecular consequence: missense variant. On other transcripts: non-coding transcript variant (6).
Genome position (GRCh38, 1-based): chr19:48,127,338, G>A on the plus strand (C>T on the coding strand, the complement: LIG1 is on the minus strand). VCF-style: chr19-48127338-G-A. GRCh37 (hg19) VCF-style: chr19-48630595-G-A.
Other names: c.1850C>T, p.Ala617Val (NM_001289063.2); c.1739C>T, p.Ala580Val (NM_001289064.2); c.1940C>T, p.Ala647Val (NM_001320970.2); c.1853C>T, p.Ala618Val (NM_001320971.2); short protein forms A617V, A647V, A648V, A580V, A618V.
Identifiers: ClinVar variation 1359242 (VCV001359242.7), dbSNP rs151010868, ClinGen allele CA9546613.
Genomic context (GRCh38, chr19:48,127,338, plus strand): 5'-TCTCCATTGAGGTAGATGAGGTCGAAGGCGTACAAACACACCTGCACCTGGATCTCAGAC[G>A]CATCCACCTCCTGGGTTGGGGCACAACGGAGTTCGTGAGTGCAGGAAGGTGAGACGGGGC-3'
Protein context (NP_000225.1, residues 638-658): LTTRKRKEVD[Ala648Val]SEIQVQVCLY

ClinVar aggregate classification (germline): Uncertain significance (1 of 4 stars; one submission).

Allele frequency attached by ClinVar (database versions not stated): gnomAD exomes 0.00006; gnomAD 0.00007; ExAC 0.00008; ESP Exome Variant Server 0.00008; TOPMed 0.00009.
gnomAD v4.1: 85 of 1,613,094 alleles (0.0053%); highest among the groups gnomAD compares: South Asian, 0.044%; no homozygotes.

Submission:

Labcorp Genetics (formerly Invitae), Labcorp
Classification: Uncertain significance. Last evaluated: 2022-12-06. Review status: criteria provided, single submitter. Criteria: Invitae Variant Classification Sherloc (09022015). Collection method: clinical testing. Allele origin: germline.
Comment: In summary, the available evidence is currently insufficient to determine the role of this variant in disease. Therefore, it has been classified as a Variant of Uncertain Significance. Algorithms developed to predict the effect of missense changes on protein structure and function (SIFT, PolyPhen-2, Align-GVGD) all suggest that this variant is likely to be tolerated. ClinVar contains an entry for this variant (Variation ID: 1359242). This variant has not been reported in the literature in individuals affected with LIG1-related conditions. This variant is present in population databases (rs151010868, gnomAD 0.04%). This sequence change replaces alanine, which is neutral and non-polar, with valine, which is neutral and non-polar, at codon 648 of the LIG1 protein (p.Ala648Val).